The following is an entry in ClinVar:

NM_020778.5(ALPK3):c.3239_3250del (p.Asp1080_Leu1083del)

Gene: ALPK3 (alpha kinase 3; plus strand). Cytogenetic location: 15q25.3.
Variant type: Deletion.
Coding change: c.3239_3250del on transcript NM_020778.5 (MANE Select); coding-DNA positions 3239 to 3250, 12 bases deleted (ACCCTGGGCTGG).
Protein change: p.Asp1080_Leu1083del.
Genome position (GRCh38, 1-based): chr15:84,857,977-84,857,988, ACCCTGGGCTGG deleted; deleting any 12 consecutive bases within chr15:84,857,975-84,857,988 gives the same sequence; the c. name uses the placement nearest the transcript's 3' end. VCF-style (leftmost placement, unchanged base first): chr15-84857974-AGGACCCTGGGCT-A. GRCh37 (hg19) VCF-style: chr15-85401205-AGGACCCTGGGCT-A.
Identifiers: ClinVar variation 3658090 (VCV003658090.2).

ClinVar aggregate classification (germline): Uncertain significance (1 of 4 stars; one submission).

Submission:

Labcorp Genetics (formerly Invitae), Labcorp
Classification: Uncertain significance. Last evaluated: 2024-06-28. Review status: criteria provided, single submitter. Criteria: Invitae Variant Classification Sherloc (09022015). Collection method: clinical testing. Allele origin: germline.
Comment: This variant, c.3845_3856del, results in the deletion of 4 amino acid(s) of the ALPK3 protein (p.Asp1282_Leu1285del), but otherwise preserves the integrity of the reading frame. This variant is not present in population databases (gnomAD no frequency). This variant has not been reported in the literature in individuals affected with ALPK3-related conditions. Experimental studies and prediction algorithms are not available or were not evaluated, and the functional significance of this variant is currently unknown. In summary, the available evidence is currently insufficient to determine the role of this variant in disease. Therefore, it has been classified as a Variant of Uncertain Significance.